The following is an entry in ClinVar:

ClinVar aggregate classification (germline): Uncertain significance (1 of 4 stars; one submission).

Conditions:
Cone-rod dystrophy 20 (CORD20). Identifiers: Orphanet 1872, MedGen C4014856, MONDO:0014427, OMIM 615973.

gnomAD v4.1: 5 of 1,601,780 alleles (0.00031%); highest among the groups gnomAD compares: Admixed American, 0.0068%; no homozygotes.

Submission:

OLLIN Analises Genomicas, OLLIN
Classification: Uncertain significance for Cone-rod dystrophy 20. Last evaluated: 2025-12-08. Review status: criteria provided, single submitter. Criteria: ACMG Guidelines 2015 PMID 25741868. Collection method: clinical testing. Allele origin: germline. Affected: yes. Observed: 1 variant allele.
Comment: The synonymous variant located at the non-canonical splicing site (chr12:89471615T>C), in exon 6 (of 12), described in gnomAD v4.1 non-UKB with an allele frequency of 0.00064%, is not reported in ClinVar or in the scientific literature. Although it does not alter the amino acid residue, there is evidence that this variant affects the splicing site, possibly resulting in a truncated protein, due to mRNA degradation via NMD or exon skipping. Additionally, there is at least one pathogenic variant reported at this same splicing site (c.676+1G>A - ClinVar ID: VCV000859104.11). According to the currently available evidence, this variant has been classified as of uncertain significance (VUS) (PS1_M, PM2_P, PM3_P, PP3).

NM_172240.3(POC1B):c.675A>G (p.Gln225=)

Genes: POC1B (POC1 centriolar protein B; minus strand), POC1B-DUSP6 (POC1B-DUSP6 readthrough; minus strand). Cytogenetic location: 12q21.33.
Variant type: single nucleotide variant.
Coding change: c.675A>G on transcript NM_172240.3 (MANE Select); coding-DNA position 675, A replaced by G.
Protein change: p.Gln225=; no amino-acid change (glutamine 225 retained).
Molecular consequence: synonymous variant. On other transcripts: non-coding transcript variant (5).
Genome position (GRCh38, 1-based): chr12:89,471,615, T>C on the plus strand (A>G on the coding strand, the complement: POC1B is on the minus strand). VCF-style: chr12-89471615-T-C. GRCh37 (hg19) VCF-style: chr12-89865392-T-C.
Other names: c.675A>G, p.Gln225= (NM_001425771.1, NM_001425772.1, NM_001425794.1 and 1 more transcripts); c.285A>G, p.Gln95= (NM_001425773.1, NM_001425796.1); c.549A>G, p.Gln183= (NM_001199777.2).
Identifiers: ClinVar variation 4814152 (VCV004814152.1).